The following is an entry in ClinVar:

NM_000393.5(COL5A2):c.336+5G>A

Gene: COL5A2 (collagen type V alpha 2 chain; minus strand). Cytogenetic location: 2q32.2.
Variant type: single nucleotide variant.
Coding change: c.336+5G>A on transcript NM_000393.5 (MANE Select); 5 bases into the intron after coding-DNA position 336, G replaced by A.
Molecular consequence: intron variant.
Genome position (GRCh38, 1-based): chr2:189,104,259, C>T on the plus strand (G>A on the coding strand, the complement: COL5A2 is on the minus strand). VCF-style: chr2-189104259-C-T. GRCh37 (hg19) VCF-style: chr2-189968985-C-T.
Identifiers: ClinVar variation 3668704 (VCV003668704.2).

ClinVar aggregate classification (germline): Uncertain significance (1 of 4 stars; one submission).

Conditions:
Ehlers-Danlos syndrome, classic type, 1 (EDSCL1). Also called: EHLERS-DANLOS SYNDROME, GRAVIS TYPE; EHLERS-DANLOS SYNDROME, SEVERE CLASSIC TYPE; Ehlers-Danlos syndrome, type 1; Ehlers-Danlos Syndrome, Classic Type, COL5A1-Related; EDS I. Identifiers: MedGen C0268335, MONDO:0019567, OMIM 130000.

Submission:

Labcorp Genetics (formerly Invitae), Labcorp
Classification: Uncertain significance for Ehlers-Danlos syndrome, classic type, 1. Last evaluated: 2024-04-25. Review status: criteria provided, single submitter. Criteria: Invitae Variant Classification Sherloc (09022015). Collection method: clinical testing. Allele origin: germline.
Comment: This sequence change falls in intron 3 of the COL5A2 gene. It does not directly change the encoded amino acid sequence of the COL5A2 protein. It affects a nucleotide within the consensus splice site. This variant is not present in population databases (gnomAD no frequency). This variant has not been reported in the literature in individuals affected with COL5A2-related conditions. Variants that disrupt the consensus splice site are a relatively common cause of aberrant splicing (PMID: 17576681, 9536098). Algorithms developed to predict the effect of sequence changes on RNA splicing suggest that this variant is not likely to affect RNA splicing. In summary, the available evidence is currently insufficient to determine the role of this variant in disease. Therefore, it has been classified as a Variant of Uncertain Significance.

Literature cited by the submitters: PubMed 17576681; PubMed 9536098.